The following is an entry in ClinVar:

ClinVar aggregate classification (germline): Benign. Review status: criteria provided, multiple submitters, no conflicts (2 of 4 stars). 2 submissions from 2 submitters: Benign (2). Last evaluated 2025-05-07.

Conditions:
Vesicoureteral reflux 2 (VUR2). Identifiers: Orphanet 289365, MedGen C1970483, MONDO:0012573, OMIM 610878.

Allele frequency attached by ClinVar (database versions not stated): ESP Exome Variant Server 0.00017; TOPMed 0.00040; gnomAD exomes 0.00194 and 0.00423; 1000 Genomes Project 30x 0.00203; 1000 Genomes Project 0.00260; gnomAD 0.00308 and 0.00316; ExAC 0.00371.
gnomAD v4.1: 3,319 of 1,613,360 alleles (0.21%); highest among the groups gnomAD compares: East Asian, 0.54%; 56 homozygotes.

Submissions (3):

Labcorp Genetics (formerly Invitae), Labcorp
Classification: Benign. Last evaluated: 2025-05-07. Review status: criteria provided, single submitter. Criteria: Invitae Variant Classification Sherloc (09022015). Collection method: clinical testing. Allele origin: germline.

Illumina Laboratory Services, Illumina
Classification: Benign for Vesicoureteral reflux 2. Last evaluated: 2018-01-12. Review status: criteria provided, single submitter. Criteria: ICSL Variant Classification Criteria 13 December 2019. Collection method: clinical testing. Allele origin: germline.
Comment: This variant was observed in the ICSL laboratory as part of a predisposition screen in an ostensibly healthy population. It had not been previously curated by ICSL or reported in the Human Gene Mutation Database (HGMD: prior to June 1st, 2018), and was therefore a candidate for classification through an automated scoring system. Utilizing variant allele frequency, disease prevalence and penetrance estimates, and inheritance mode, an automated score was calculated to assess if this variant is too frequent to cause the disease. Based on the score and internal cut-off values, a variant classified as benign is not then subjected to further curation. The score for this variant resulted in a classification of benign for this disease.

Dr. Peter K. Rogan Lab, Western University
No classification provided (evidence only). Condition: Gastric cancer. Review status: no classification provided. Collection method: in vitro. Allele origin: not applicable. Functional consequence: retained intron. Not counted in ClinVar's aggregate classification.

NM_001395656.1(ROBO2):c.1002A>G (p.Thr334=)

Gene: ROBO2 (roundabout guidance receptor 2; plus strand). Cytogenetic location: 3p12.3.
Variant type: single nucleotide variant.
Coding change: c.1002A>G on transcript NM_001395656.1 (MANE Select); coding-DNA position 1002, A replaced by G.
Protein change: p.Thr334=; no amino-acid change (threonine 334 retained).
Molecular consequence: synonymous variant. On other transcripts: 5 prime UTR variant (1).
Genome position (GRCh38, 1-based): chr3:77,546,393, A>G. VCF-style: chr3-77546393-A-G. GRCh37 (hg19) VCF-style: chr3-77595544-A-G.
Other names: c.1038A>G, p.Thr346= (NM_001128929.3); c.1002A>G, p.Thr334= (NM_001290039.2, NM_001290040.2, NM_001378202.1); c.-929A>G (NM_001290065.2); c.1050A>G, p.Thr350= (NM_001378190.1, NM_001378191.1, NM_001378195.1 and 4 more transcripts); c.1071A>G, p.Thr357= (NM_001378192.1, NM_001378194.1, NM_001378198.1 and 2 more transcripts); c.990A>G, p.Thr330= (NM_001378193.1, NM_001378197.1, NM_002942.5); c.1059A>G, p.Thr353= (NM_001394212.1, NM_001394214.1, NM_001395657.1).
Identifiers: ClinVar variation 346682 (VCV000346682.11), dbSNP rs146036715, ClinGen allele CA2496947.
Genomic context (GRCh38, chr3:77,546,393, plus strand): 5'-TATAGCTCCCCCACAGTTTGTGGTTCGGCCAAGAGATCAGATTGTTGCTCAAGGTCGAAC[A>G]GTGACATTTCCCTGTGAAACTAAAGGAAACCCACAGCCAGCTGTTTTTTGGCAGAAAGAA-3'
Protein context (NP_001382585.1, residues 324-344): PRDQIVAQGR[Thr334=]VTFPCETKGN